The following is an entry in ClinVar:

NM_014000.3(VCL):c.3253G>C (p.Glu1085Gln)

Gene: VCL (vinculin; plus strand). Cytogenetic location: 10q22.2.
Variant type: single nucleotide variant.
Coding change: c.3253G>C on transcript NM_014000.3 (MANE Select); coding-DNA position 3253, G replaced by C.
Protein change: p.Glu1085Gln; replaces glutamic acid 1085 with glutamine.
Molecular consequence: missense variant.
Genome position (GRCh38, 1-based): chr10:74,114,894, G>C. VCF-style: chr10-74114894-G-C. GRCh37 (hg19) VCF-style: chr10-75874652-G-C.
Other names: c.3049G>C, p.Glu1017Gln (NM_003373.4); short protein forms E1085Q, E1017Q.
Identifiers: ClinVar variation 1962699 (VCV001962699.5), dbSNP rs912858056, ClinGen allele CA377267674.

ClinVar aggregate classification (germline): Uncertain significance (1 of 4 stars; one submission).

Conditions:
Dilated cardiomyopathy 1W (CMD1W). Identifiers: Orphanet 154, MedGen C1969639, MONDO:0012667, OMIM 611407.

Submission:

Labcorp Genetics (formerly Invitae), Labcorp
Classification: Uncertain significance for Dilated cardiomyopathy 1W. Last evaluated: 2022-08-04. Review status: criteria provided, single submitter. Criteria: Invitae Variant Classification Sherloc (09022015). Collection method: clinical testing. Allele origin: germline.
Comment: In summary, the available evidence is currently insufficient to determine the role of this variant in disease. Therefore, it has been classified as a Variant of Uncertain Significance. Algorithms developed to predict the effect of missense changes on protein structure and function are either unavailable or do not agree on the potential impact of this missense change (SIFT: "Not Available"; PolyPhen-2: "Possibly Damaging"; Align-GVGD: "Not Available"). This variant has not been reported in the literature in individuals affected with VCL-related conditions. This variant is not present in population databases (gnomAD no frequency). This sequence change replaces glutamic acid, which is acidic and polar, with glutamine, which is neutral and polar, at codon 1085 of the VCL protein (p.Glu1085Gln).